The following is an entry in ClinVar:

ClinVar aggregate classification (germline): Conflicting classifications of pathogenicity. Review status: criteria provided, conflicting classifications (1 of 4 stars). 3 submissions from 3 submitters: Uncertain significance (1); Likely benign (1). 1 of the submissions does not count toward it. Last evaluated 2024-03-12.

Conditions:
Hereditary pulmonary alveolar proteinosis. Also called: Pulmonary surfactant metabolism dysfunction. Identifiers: Orphanet 264675, MedGen C3711368, MONDO:0012580.
ABCA3-related disorder. Also called: ABCA3-related condition.

Allele frequency attached by ClinVar (database versions not stated): ExAC 0.00004; TOPMed 0.00006; gnomAD 0.00008.
gnomAD v4.1: 42 of 1,613,064 alleles (0.0026%); highest among the groups gnomAD compares: African/African-American, 0.013%; no homozygotes.

Submissions (3):

Labcorp Genetics (formerly Invitae), Labcorp
Classification: Uncertain significance. Last evaluated: 2024-03-12. Review status: criteria provided, single submitter. Criteria: Invitae Variant Classification Sherloc (09022015). Collection method: clinical testing. Allele origin: germline.
Comment: This sequence change replaces valine, which is neutral and non-polar, with isoleucine, which is neutral and non-polar, at codon 1639 of the ABCA3 protein (p.Val1639Ile). This variant is present in population databases (rs756031031, gnomAD 0.02%). This variant has not been reported in the literature in individuals affected with ABCA3-related conditions. ClinVar contains an entry for this variant (Variation ID: 1744075). Advanced modeling of protein sequence and biophysical properties (such as structural, functional, and spatial information, amino acid conservation, physicochemical variation, residue mobility, and thermodynamic stability) performed at Invitae indicates that this missense variant is not expected to disrupt ABCA3 protein function with a negative predictive value of 80%. In summary, the available evidence is currently insufficient to determine the role of this variant in disease. Therefore, it has been classified as a Variant of Uncertain Significance.

Ambry Genetics
Classification: Likely benign for Hereditary pulmonary alveolar proteinosis. Last evaluated: 2021-10-06. Review status: criteria provided, single submitter. Criteria: Ambry Variant Classification Scheme 2023. Collection method: clinical testing. Allele origin: germline.

PreventionGenetics, part of Exact Sciences
Classification: Uncertain significance for ABCA3-related condition. Last evaluated: 2024-07-05. Review status: no assertion criteria provided. Collection method: clinical testing. Allele origin: germline. Not counted in ClinVar's aggregate classification.
Comment: The ABCA3 c.4915G>A variant is predicted to result in the amino acid substitution p.Val1639Ile. To our knowledge, this variant has not been reported in the literature. This variant is reported in 0.019% of alleles in individuals of African descent in gnomAD. At this time, the clinical significance of this variant is uncertain due to the absence of conclusive functional and genetic evidence.

NM_001089.3(ABCA3):c.4915G>A (p.Val1639Ile)

Gene: ABCA3 (ATP binding cassette subfamily A member 3; minus strand). Cytogenetic location: 16p13.3.
Variant type: single nucleotide variant.
Coding change: c.4915G>A on transcript NM_001089.3 (MANE Select); coding-DNA position 4915, G replaced by A.
Protein change: p.Val1639Ile; replaces valine 1639 with isoleucine.
Molecular consequence: missense variant.
Genome position (GRCh38, 1-based): chr16:2,277,665, C>T on the plus strand (G>A on the coding strand, the complement: ABCA3 is on the minus strand). VCF-style: chr16-2277665-C-T. GRCh37 (hg19) VCF-style: chr16-2327666-C-T.
Other names: short protein forms V1639I.
Identifiers: ClinVar variation 1744075 (VCV001744075.4), dbSNP rs756031031, ClinGen allele CA7839957.